The following is an entry in ClinVar:

NM_004999.4(MYO6):c.542G>A (p.Arg181Lys)

Gene: MYO6 (myosin VI; plus strand). Cytogenetic location: 6q14.1.
Variant type: single nucleotide variant.
Coding change: c.542G>A on transcript NM_004999.4 (MANE Select); coding-DNA position 542, G replaced by A.
Protein change: p.Arg181Lys; replaces arginine 181 with lysine.
Molecular consequence: missense variant. On other transcripts: non-coding transcript variant (2).
Genome position (GRCh38, 1-based): chr6:75,835,945, G>A. VCF-style: chr6-75835945-G-A. GRCh37 (hg19) VCF-style: chr6-76545662-G-A.
Other names: c.542G>A, p.Arg181Lys (NM_001300899.2, NM_001368136.1, NM_001368137.1 and 5 more transcripts); short protein forms R181K.
Identifiers: ClinVar variation 2656711 (VCV002656711.24), dbSNP rs2535029879, ClinGen allele CA364769089.
Genomic context (GRCh38, chr6:75,835,945, plus strand): 5'-CCTATATTTTAAACAGATACCTGACTGAATCCTATGGAACAGGTCAAGATATTGATGACA[G>A]AATTGTTGAAGGTATTGCTAATTTTTCAGTTGTTACGCGTGTACTGAAATTAATTTACAA-3'
Protein context (NP_004990.3, residues 171-191): SYGTGQDIDD[Arg181Lys]IVEANPLLEA

ClinVar aggregate classification (germline): Uncertain significance (1 of 4 stars; one submission).

Submission:

CeGaT Center for Human Genetics Tuebingen
Classification: Uncertain significance. Last evaluated: 2023-02-01. Review status: criteria provided, single submitter. Criteria: CeGaT Center For Human Genetics Tuebingen Variant Classification Criteria Version 2. Collection method: clinical testing. Allele origin: germline. Affected: yes. Observed: 1 variant allele.
Comment: MYO6: PM2